The following is an entry in ClinVar:

ClinVar aggregate classification (germline): Pathogenic. Review status: criteria provided, multiple submitters, no conflicts (2 of 4 stars). 4 submissions from 4 submitters: Pathogenic (4). Last evaluated 2025-11-19.

Submissions (4):

Dasa
Classification: Pathogenic. Last evaluated: 2025-11-19. Review status: criteria provided, single submitter. Criteria: DASA Assertion Criteria. Collection method: clinical testing. Allele origin: germline.
Comment: NM_005984.5(SLC25A1):c.18_24dup (p.Ala9Profs*82) is a frameshift variant in SLC25A1 predicted to alter the reading frame and introduce a premature termination codon and is predicted to result in an absent or altered protein product. Loss of function is an established disease mechanism for SLC25A1-associated disorders. This variant has been reported in individuals with SLC25A1-related disorders (PMID: 23561848). Also, this variant is rare in population databases. Based on the currently available evidence, this variant is classified as pathogenic.

Labcorp Genetics (formerly Invitae), Labcorp
Classification: Pathogenic. Last evaluated: 2023-12-11. Review status: criteria provided, single submitter. Criteria: Invitae Variant Classification Sherloc (09022015). Collection method: clinical testing. Allele origin: germline.
Comment: This sequence change creates a premature translational stop signal (p.Ala9Profs*82) in the SLC25A1 gene. It is expected to result in an absent or disrupted protein product. Loss-of-function variants in SLC25A1 are known to be pathogenic (PMID: 23561848). The frequency data for this variant in the population databases is considered unreliable, as metrics indicate poor data quality at this position in the gnomAD database. This premature translational stop signal has been observed in individual(s) with combined D-2- and L-2-hydroxyglutaric aciduria (PMID: 23561848). In at least one individual the data is consistent with being in trans (on the opposite chromosome) from a pathogenic variant. For these reasons, this variant has been classified as Pathogenic.

Mayo Clinic Laboratories, Mayo Clinic
Classification: Pathogenic. Last evaluated: 2023-03-07. Review status: criteria provided, single submitter. Criteria: ACMG Guidelines, 2015. Collection method: clinical testing. Allele origin: germline. Observed: 1 variant allele.
Comment: PP4, PM2, PVS1

GeneDx
Classification: Pathogenic. Last evaluated: 2022-10-13. Review status: criteria provided, single submitter. Criteria: GeneDx Variant Classification Process June 2021. Collection method: clinical testing. Allele origin: germline. Affected: yes.
Comment: Identified in a patient with combined D-2- and L-2-hydroxyglutaric aciduria in the presence of a second SLC25A1 variant in published literature (Nota et al., 2013); Frameshift variant predicted to result in protein truncation or nonsense mediated decay in a gene for which loss-of-function is a known mechanism of disease; This variant is associated with the following publications: (PMID: 29265763, 23561848)

Literature cited by the submitters: PubMed 23561848 (cited by 3 submitters); PubMed 25614306 (cited by Mayo Clinic Laboratories, Mayo Clinic); PubMed 29265763 (cited by Mayo Clinic Laboratories, Mayo Clinic).

NM_005984.5(SLC25A1):c.18_24dup (p.Ala9fs)

Gene: SLC25A1 (solute carrier family 25 member 1; minus strand). Cytogenetic location: 22q11.21.
Variant type: Microsatellite.
Coding change: c.18_24dup on transcript NM_005984.5 (MANE Select); coding-DNA positions 18 to 24, 7 bases duplicated (CCCGCGC; older notation c.18_24dupCCCGCGC).
Protein change: p.Ala9fs; shifts the reading frame from alanine 9.
Molecular consequence: frameshift variant. On other transcripts: non-coding transcript variant (1).
Genome position (GRCh38, 1-based): chr22:19,178,650-19,178,656, GCGCGGG duplicated on the plus strand (CCCGCGC on the coding strand, the reverse complement: SLC25A1 is on the minus strand); duplicating any 7 consecutive bases within chr22:19,178,650-19,178,670 gives the same sequence; the c. name uses the placement nearest the transcript's 3' end. VCF-style (leftmost placement, unchanged base first): chr22-19178649-C-CGCGCGGG. GRCh37 (hg19) VCF-style: chr22-19166162-C-CGCGCGGG.
Other names: p.Ala9Profs*82; short protein forms A9fs.
Identifiers: ClinVar variation 1710697 (VCV001710697.9), dbSNP rs1345028760, ClinGen allele CA638334243.